The following is an entry in ClinVar:

ClinVar aggregate classification (germline): Uncertain significance (1 of 4 stars; one submission).

Conditions:
Charcot-Marie-Tooth disease axonal type 2Z. Also called: CHARCOT-MARIE-TOOTH DISEASE, AXONAL, AUTOSOMAL DOMINANT, TYPE 2Z; CHARCOT-MARIE-TOOTH NEUROPATHY, TYPE 2Z. Identifiers: Orphanet 466768, MedGen C5569025, MONDO:0014736, OMIM 616688.

gnomAD v4.1: 1 of 1,614,172 alleles (0.000062%); highest among the groups gnomAD compares: Admixed American, 0.0017%; no homozygotes.

Submission:

Labcorp Genetics (formerly Invitae), Labcorp
Classification: Uncertain significance for Charcot-Marie-Tooth disease axonal type 2Z. Last evaluated: 2024-12-10. Review status: criteria provided, single submitter. Criteria: Invitae Variant Classification Sherloc (09022015). Collection method: clinical testing. Allele origin: germline.
Comment: This sequence change replaces alanine, which is neutral and non-polar, with valine, which is neutral and non-polar, at codon 882 of the MORC2 protein (p.Ala882Val). This variant is present in population databases (rs762899928, gnomAD 0.003%). This variant has not been reported in the literature in individuals affected with MORC2-related conditions. Invitae Evidence Modeling of protein sequence and biophysical properties (such as structural, functional, and spatial information, amino acid conservation, physicochemical variation, residue mobility, and thermodynamic stability) indicates that this missense variant is not expected to disrupt MORC2 protein function with a negative predictive value of 95%. In summary, the available evidence is currently insufficient to determine the role of this variant in disease. Therefore, it has been classified as a Variant of Uncertain Significance.

NM_001303256.3(MORC2):c.2645C>T (p.Ala882Val)

Gene: MORC2 (MORC family CW-type zinc finger 2; minus strand). Cytogenetic location: 22q12.2.
Variant type: single nucleotide variant.
Coding change: c.2645C>T on transcript NM_001303256.3 (MANE Select); coding-DNA position 2645, C replaced by T.
Protein change: p.Ala882Val; replaces alanine 882 with valine.
Molecular consequence: missense variant.
Genome position (GRCh38, 1-based): chr22:30,932,647, G>A on the plus strand (C>T on the coding strand, the complement: MORC2 is on the minus strand). VCF-style: chr22-30932647-G-A. GRCh37 (hg19) VCF-style: chr22-31328634-G-A.
Other names: c.2645C>T, p.Ala882Val (NM_001303257.2); c.2459C>T, p.Ala820Val (NM_014941.3); short protein forms A882V, A820V.
Identifiers: ClinVar variation 3705625 (VCV003705625.2).